The following is an entry in ClinVar:

ClinVar aggregate classification (germline): Uncertain significance (1 of 4 stars; one submission).

Conditions:
Nemaline myopathy 2 (NEM2). Also called: Nemaline myopathy 2, autosomal recessive. Identifiers: MedGen C1850569, MONDO:0009725, OMIM 256030.

Allele frequency attached by ClinVar (database versions not stated): TOPMed 0.00001; gnomAD 0.00002.
gnomAD v4.1: 3 of 1,613,804 alleles (0.00019%); highest among the groups gnomAD compares: African/African-American, 0.004%; no homozygotes.

Submission:

Labcorp Genetics (formerly Invitae), Labcorp
Classification: Uncertain significance for Nemaline myopathy 2. Last evaluated: 2022-08-15. Review status: criteria provided, single submitter. Criteria: Invitae Variant Classification Sherloc (09022015). Collection method: clinical testing. Allele origin: germline.
Comment: This sequence change replaces lysine, which is basic and polar, with glutamic acid, which is acidic and polar, at codon 3805 of the NEB protein (p.Lys3805Glu). This variant is not present in population databases (gnomAD no frequency). This variant has not been reported in the literature in individuals affected with NEB-related conditions. ClinVar contains an entry for this variant (Variation ID: 1370479). Algorithms developed to predict the effect of missense changes on protein structure and function are either unavailable or do not agree on the potential impact of this missense change (SIFT: "Deleterious"; PolyPhen-2: "Not Available"; Align-GVGD: "Class C0"). In summary, the available evidence is currently insufficient to determine the role of this variant in disease. Therefore, it has been classified as a Variant of Uncertain Significance.

NM_001164508.2(NEB):c.11413A>G (p.Lys3805Glu)

Gene: NEB (nebulin; minus strand). Cytogenetic location: 2q23.3.
Variant type: single nucleotide variant.
Coding change: c.11413A>G on transcript NM_001164508.2 (MANE Select); coding-DNA position 11413, A replaced by G.
Protein change: p.Lys3805Glu; replaces lysine 3805 with glutamic acid.
Molecular consequence: missense variant.
Genome position (GRCh38, 1-based): chr2:151,614,464, T>C on the plus strand (A>G on the coding strand, the complement: NEB is on the minus strand). VCF-style: chr2-151614464-T-C. GRCh37 (hg19) VCF-style: chr2-152470978-T-C.
Other names: c.11413A>G, p.Lys3805Glu (NM_001164507.2, NM_001271208.2); c.10684A>G, p.Lys3562Glu (NM_004543.5); short protein forms K3562E, K3805E.
Identifiers: ClinVar variation 1370479 (VCV001370479.5), dbSNP rs972557338, ClinGen allele CA57638050.